The following is an entry in ClinVar:

ClinVar aggregate classification (germline): Conflicting classifications of pathogenicity. Review status: criteria provided, conflicting classifications (1 of 4 stars). 5 submissions from 5 submitters: Uncertain significance (4); Likely benign (1). Last evaluated 2026-09-01.

Conditions:
Iminoglycinuria. Identifiers: Orphanet 42062, MedGen C0268654, MONDO:0009448, OMIM 242600.
Hyperglycinuria. Also called: IMINOGLYCINURIA TYPE II; GLYCINURIA WITH OR WITHOUT OXALATE NEPHROLITHIASIS; GLYCINURIA WITH OR WITHOUT OXALATE UROLITHIASIS. Identifiers: MedGen C0543541, MONDO:0007677, OMIM 138500, HP:0003108.

Allele frequency attached by ClinVar (database versions not stated): gnomAD 0.00019; TOPMed 0.00025; gnomAD exomes 0.00029; ExAC 0.00031; ESP Exome Variant Server 0.00046; 1000 Genomes Project 0.00060; 1000 Genomes Project 30x 0.00062.
gnomAD v4.1: 448 of 1,610,728 alleles (0.028%); highest among the groups gnomAD compares: Admixed American, 0.038%; no homozygotes.

Submissions (5):

CeGaT Center for Human Genetics Tuebingen
Classification: Likely benign. Last evaluated: 2026-09-01. Review status: criteria provided, single submitter. Criteria: CeGaT Center For Human Genetics Tuebingen Variant Classification Criteria Version 2. Collection method: clinical testing. Allele origin: germline. Affected: yes. Observed: 1 variant allele.
Comment: SLC6A20: BP4

Ambry Genetics
Classification: Uncertain significance. Last evaluated: 2025-08-11. Review status: criteria provided, single submitter. Criteria: Ambry Variant Classification Scheme 2023. Collection method: clinical testing. Allele origin: germline.

Fulgent Genetics
Classification: Uncertain significance for Hyperglycinuria; Iminoglycinuria. Last evaluated: 2022-04-23. Review status: criteria provided, single submitter. Criteria: ACMG Guidelines, 2015. Collection method: clinical testing. Allele origin: unknown.

Illumina Laboratory Services, Illumina
Classification: Uncertain significance for Hyperglycinuria. Last evaluated: 2018-01-13. Review status: criteria provided, single submitter. Criteria: ICSL Variant Classification Criteria 13 December 2019. Collection method: clinical testing. Allele origin: germline.

Breakthrough Genomics
Classification: Uncertain significance. Review status: criteria provided, single submitter. Criteria: ACMG Guidelines, 2015. Collection method: not provided. Allele origin: germline. Inheritance: Autosomal recessive inheritance. Affected: yes.

NM_020208.4(SLC6A20):c.1646A>G (p.Lys549Arg)

Gene: SLC6A20 (solute carrier family 6 member 20; minus strand). Cytogenetic location: 3p21.31.
Variant type: single nucleotide variant.
Coding change: c.1646A>G on transcript NM_020208.4 (MANE Select); coding-DNA position 1646, A replaced by G.
Protein change: p.Lys549Arg; replaces lysine 549 with arginine.
Molecular consequence: missense variant.
Genome position (GRCh38, 1-based): chr3:45,759,111, T>C on the plus strand (A>G on the coding strand, the complement: SLC6A20 is on the minus strand). VCF-style: chr3-45759111-T-C. GRCh37 (hg19) VCF-style: chr3-45800603-T-C.
Other names: c.1535A>G, p.Lys512Arg (NM_022405.4); short protein forms K549R, K512R.
Identifiers: ClinVar variation 903323 (VCV000903323.8), dbSNP rs141811843, ClinGen allele CA2351226.